The following is an entry in ClinVar:

ClinVar aggregate classification (germline): Benign/Likely benign. Review status: criteria provided, multiple submitters, no conflicts (2 of 4 stars). 3 submissions from 3 submitters: Benign (2); Likely benign (1). Last evaluated 2024-11-27.

Conditions:
Meckel syndrome, type 9 (MKS9). Identifiers: Orphanet 564, MedGen C3280155, MONDO:0013630, OMIM 614209.

Allele frequency attached by ClinVar (database versions not stated): gnomAD exomes 0.00378 and 0.01174; gnomAD 0.00495 and 0.00632; ExAC 0.00658; TOPMed 0.00723; 1000 Genomes Project 30x 0.02342; 1000 Genomes Project 0.02596.

Submissions (3):

Blueprint Genetics
Classification: Likely benign. Last evaluated: 2024-11-27. Review status: criteria provided, single submitter. Criteria: ACMG Guidelines, 2015. Collection method: clinical testing. Allele origin: germline.

Illumina Laboratory Services, Illumina
Classification: Benign for Meckel syndrome, type 9. Last evaluated: 2018-01-13. Review status: criteria provided, single submitter. Criteria: ICSL Variant Classification Criteria 13 December 2019. Collection method: clinical testing. Allele origin: germline.
Comment: This variant was observed in the ICSL laboratory as part of a predisposition screen in an ostensibly healthy population. It had not been previously curated by ICSL or reported in the Human Gene Mutation Database (HGMD: prior to June 1st, 2018), and was therefore a candidate for classification through an automated scoring system. Utilizing variant allele frequency, disease prevalence and penetrance estimates, and inheritance mode, an automated score was calculated to assess if this variant is too frequent to cause the disease. Based on the score and internal cut-off values, a variant classified as benign is not then subjected to further curation. The score for this variant resulted in a classification of benign for this disease.

GeneDx
Classification: Benign. Last evaluated: 2016-12-20. Review status: criteria provided, single submitter. Criteria: GeneDx Variant Classification (06012015). Collection method: clinical testing. Allele origin: germline. Affected: yes.
Comment: This variant is considered likely benign or benign based on one or more of the following criteria: it is a conservative change, it occurs at a poorly conserved position in the protein, it is predicted to be benign by multiple in silico algorithms, and/or has population frequency not consistent with disease.

NM_015681.6(B9D1):c.-110G>A

Gene: B9D1 (B9 domain containing 1; minus strand). Cytogenetic location: 17p11.2.
Variant type: single nucleotide variant.
Coding change: c.-110G>A on transcript NM_015681.6 (MANE Select); 110 bases upstream of the start codon, G replaced by A.
Molecular consequence: 5 prime UTR variant. On other transcripts: intron variant (1).
Genome position (GRCh38, 1-based): chr17:19,362,679, C>T on the plus strand (G>A on the coding strand, the complement: B9D1 is on the minus strand). VCF-style: chr17-19362679-C-T. GRCh37 (hg19) VCF-style: chr17-19265992-C-T.
Other names: c.-110G>A (NM_001321214.2, NM_001321215.3, NM_001321216.2 and 4 more transcripts); c.-297-2291G>A (NM_001368769.2).
Identifiers: ClinVar variation 322202 (VCV000322202.6), dbSNP rs117169107, ClinGen allele CA8440430.
Genomic context (GRCh38, chr17:19,362,679, plus strand): 5'-TAAGAGACGCCGGCGTTGCCCTAGAAACAGACGGCGTAGCGCGCAGGACACGTTTCTTGG[C>T]AGCGACACCTTCGCGAAGGCCACGCGAGTGCGCGTGTGGCATGCGCAGGCGCAGTGAACG-3'